The following is an entry in ClinVar:

NM_001035.3(RYR2):c.1293-79G>A

Gene: RYR2 (ryanodine receptor 2; plus strand). Cytogenetic location: 1q43.
Variant type: single nucleotide variant.
Coding change: c.1293-79G>A on transcript NM_001035.3 (MANE Select); 79 bases into the intron before coding-DNA position 1293, G replaced by A.
Molecular consequence: intron variant.
Genome position (GRCh38, 1-based): chr1:237,454,312, G>A. VCF-style: chr1-237454312-G-A. GRCh37 (hg19) VCF-style: chr1-237617612-G-A.
Identifiers: ClinVar variation 671503 (VCV000671503.1), dbSNP rs75144658, ClinGen allele CA39784433.

ClinVar aggregate classification (germline): Likely benign (1 of 4 stars; one submission).

Allele frequency attached by ClinVar (database versions not stated): 1000 Genomes Project 0.01058; 1000 Genomes Project 30x 0.01171; TOPMed 0.02335; gnomAD 0.02543 and 0.02586; gnomAD exomes 0.03650.
gnomAD v4.1: 49,324 of 1,407,238 alleles (3.5%); highest among the groups gnomAD compares: Non-Finnish European, 4.2%; 1,040 homozygotes.

Submission:

GeneDx
Classification: Likely benign. Last evaluated: 2018-06-19. Review status: criteria provided, single submitter. Criteria: GeneDx Variant Classification (06012015). Collection method: clinical testing. Allele origin: germline. Affected: yes.
Comment: This variant is considered likely benign or benign based on one or more of the following criteria: it is a conservative change, it occurs at a poorly conserved position in the protein, it is predicted to be benign by multiple in silico algorithms, and/or has population frequency not consistent with disease.